The following is an entry in ClinVar:

NM_014780.5(CUL7):c.3645+1G>A

Gene: CUL7 (cullin 7; minus strand). Cytogenetic location: 6p21.1.
Variant type: single nucleotide variant.
Coding change: c.3645+1G>A on transcript NM_014780.5 (MANE Select); the canonical splice donor site of the intron after coding-DNA position 3645, G replaced by A.
Molecular consequence: splice donor variant.
Genome position (GRCh38, 1-based): chr6:43,042,801, C>T on the plus strand (G>A on the coding strand, the complement: CUL7 is on the minus strand). VCF-style: chr6-43042801-C-T. GRCh37 (hg19) VCF-style: chr6-43010539-C-T.
Other names: c.3741+1G>A (NM_001168370.2, NM_001374872.1); c.3642+1G>A (NM_001374874.1); c.3645+1G>A (NM_001374873.1).
Identifiers: ClinVar variation 1878224 (VCV001878224.1), dbSNP rs1173494063, ClinGen allele CA364202284.
Genomic context (GRCh38, chr6:43,042,801, plus strand): 5'-AGGTGAGGAAGGGAGAGTTTGTCGGAAGAGACCCAAGGATGAGGCAAGGGTAGAGGCTTA[C>T]GTGGGCAGCTTTGAGAAAAGGGAGCTTCAGCAAGGCTCCCGCACAGCCATTTTGCAGCGC-3'

ClinVar aggregate classification (germline): Likely pathogenic (1 of 4 stars; one submission).

Conditions:
3-M syndrome. Also called: Three M syndrome; 3-MSBN; Three-M slender-boned nanism; 3M SYNDROME. Identifiers: Orphanet 2616, MedGen C1848862, MONDO:0007477.

Allele frequency attached by ClinVar (database versions not stated): gnomAD exomes below 0.00001.
gnomAD v4.1: 7 of 1,608,360 alleles (0.00044%); highest among the groups gnomAD compares: South Asian, 0.0011%; no homozygotes.

Submission:

Women's Health and Genetics/Laboratory Corporation of America, LabCorp
Classification: Likely pathogenic for 3-M syndrome. Last evaluated: 2022-12-06. Review status: criteria provided, single submitter. Criteria: LabCorp Variant Classification Summary - May 2015. Collection method: clinical testing. Allele origin: germline.
Comment: Variant summary: CUL7 c.3645+1G>A is located in a canonical splice-site and is predicted to affect mRNA splicing resulting in a significantly altered protein due to either exon skipping, shortening, or inclusion of intronic material. Several computational tools predict a significant impact on normal splicing: Four predict the variant abolishes a 5' splicing donor site. However, these predictions have yet to be confirmed by functional studies. The variant allele was found at a frequency of 4e-06 in 249076 control chromosomes. c.3645+1G>A has been reported in the literature in at least one homozygous individual affected with Three M Syndrome 1 (e.g. Huber_2009). These data indicate that the variant may be associated with disease. To our knowledge, no experimental evidence demonstrating an impact on protein function has been reported. No clinical diagnostic laboratories have submitted clinical-significance assessments for this variant to ClinVar after 2014. Based on the evidence outlined above, the variant was classified as likely pathogenic.

Literature cited by the submitters: PubMed 19225462.